The following is an entry in ClinVar:

ClinVar aggregate classification (germline): Likely pathogenic. Review status: criteria provided, multiple submitters, no conflicts (2 of 4 stars). 2 submissions from 2 submitters: Likely pathogenic (2). Last evaluated 2025-01-07.

Conditions:
Paroxysmal nocturnal hemoglobinuria 1 (PNH1). Identifiers: Orphanet 447, MedGen C3806670, MONDO:0010438, OMIM 300818.

Submissions (2):

GeneDx
Classification: Likely pathogenic. Last evaluated: 2025-01-07. Review status: criteria provided, single submitter. Criteria: GeneDx Variant Classification Process June 2021. Collection method: clinical testing. Allele origin: germline. Affected: yes.
Comment: Not observed at significant frequency in large population cohorts (gnomAD); In silico analysis supports that this missense variant has a deleterious effect on protein structure/function; Has not been previously published as pathogenic or benign to our knowledge; This variant is associated with the following publications: (PMID: 29502866)

Mendelics
Classification: Likely pathogenic for Paroxysmal nocturnal hemoglobinuria 1. Last evaluated: 2022-05-04. Review status: criteria provided, single submitter. Criteria: Mendelics Assertion Criteria 2019. Collection method: clinical testing. Allele origin: germline.

NM_002641.4(PIGA):c.109A>G (p.Met37Val)

Gene: PIGA (phosphatidylinositol glycan anchor biosynthesis class A; minus strand). Cytogenetic location: Xp22.2.
Variant type: single nucleotide variant.
Coding change: c.109A>G on transcript NM_002641.4 (MANE Select); coding-DNA position 109, A replaced by G.
Protein change: p.Met37Val; replaces methionine 37 with valine.
Molecular consequence: missense variant. On other transcripts: non-coding transcript variant (1), intron variant (1).
Genome position (GRCh38, 1-based): chrX:15,331,822, T>C on the plus strand (A>G on the coding strand, the complement: PIGA is on the minus strand). VCF-style: chrX-15331822-T-C. GRCh37 (hg19) VCF-style: chrX-15349944-T-C.
Other names: c.13+3679A>G (NM_020473.3); c.109A>G (NM_002641.3); short protein forms M37V.
Identifiers: ClinVar variation 1685404 (VCV001685404.2), dbSNP rs2147724073, ClinGen allele CA412341239.